The following is an entry in ClinVar:

NM_000465.4(BARD1):c.1904-6T>C

Gene: BARD1 (BRCA1 associated RING domain 1; minus strand). Cytogenetic location: 2q35.
Variant type: single nucleotide variant.
Coding change: c.1904-6T>C on transcript NM_000465.4 (MANE Select); 6 bases into the intron before coding-DNA position 1904, T replaced by C.
Molecular consequence: intron variant.
Genome position (GRCh38, 1-based): chr2:214,730,514, A>G on the plus strand (T>C on the coding strand, the complement: BARD1 is on the minus strand). VCF-style: chr2-214730514-A-G. GRCh37 (hg19) VCF-style: chr2-215595238-A-G.
Other names: c.494-6T>C (NM_001282548.2); c.1847-6T>C (NM_001282543.2); c.551-6T>C (NM_001282545.2); c.365-6T>C (NM_001282549.2); c.1904-6T>C (LRG_297t1).
Identifiers: ClinVar variation 220709 (VCV000220709.10), dbSNP rs864622634, ClinGen allele CA348707.

ClinVar aggregate classification (germline): Likely benign. Review status: criteria provided, multiple submitters, no conflicts (2 of 4 stars). 2 submissions from 2 submitters: Likely benign (2). Last evaluated 2026-01-26.

Conditions:
Familial cancer of breast. Also called: hereditary breast carcinoma; Hereditary breast cancer; BREAST CANCER, FAMILIAL. Identifiers: Orphanet 227535, MedGen C0346153, MONDO:0016419, OMIM 114480. Disease mechanism: loss of function.

Allele frequency attached by ClinVar (database versions not stated): TOPMed below 0.00001; gnomAD 0.00001.
gnomAD v4.1: 1 of 1,610,462 alleles (0.000062%); highest among the groups gnomAD compares: African/African-American, 0.0013%; no homozygotes.

Submissions (2):

Labcorp Genetics (formerly Invitae), Labcorp
Classification: Likely benign for Familial cancer of breast. Last evaluated: 2026-01-26. Review status: criteria provided, single submitter. Criteria: Invitae Variant Classification Sherloc (09022015). Collection method: clinical testing. Allele origin: germline.

Myriad Genetics, Inc.
Classification: Likely benign for Familial cancer of breast. Last evaluated: 2024-07-29. Review status: criteria provided, single submitter. Criteria: Myriad Autosomal Dominant, Autosomal Recessive and X-Linked Classification Criteria (2023). Collection method: clinical testing. Allele origin: unknown.
Comment: This variant is considered likely benign. This variant is intronic and is not expected to impact mRNA splicing.